The following is an entry in ClinVar:

NM_000551.4(VHL):c.513G>C (p.Lys171Asn)

Genes: VHL (von Hippel-Lindau tumor suppressor; plus strand), LOC107303340 (3p25 von Hippel-Lindau tumor suppressor, E3 ubiquitin protein ligase Alu-mediated recombination region; plus strand). Cytogenetic location: 3p25.3.
Variant type: single nucleotide variant.
Coding change: c.513G>C on transcript NM_000551.4 (MANE Select); coding-DNA position 513, G replaced by C.
Protein change: p.Lys171Asn; replaces lysine 171 with asparagine.
Molecular consequence: missense variant. On other transcripts: 3 prime UTR variant (1).
Genome position (GRCh38, 1-based): chr3:10,149,836, G>C. VCF-style: chr3-10149836-G-C. GRCh37 (hg19) VCF-style: chr3-10191520-G-C.
Other names: c.513G>C (NM_000551.3); c.*67G>C (NM_001354723.2); c.390G>C, p.Lys130Asn (NM_198156.3); short protein forms K130N, K171N.
Identifiers: ClinVar variation 1392637 (VCV001392637.13), dbSNP rs1365445365, ClinGen allele CA351756203.

ClinVar aggregate classification (germline): Conflicting classifications of pathogenicity. Review status: criteria provided, conflicting classifications (1 of 4 stars). 4 submissions from 4 submitters: Uncertain significance (3); Likely benign (1). Last evaluated 2025-09-23.

Conditions:
Hereditary cancer-predisposing syndrome. Also called: Hereditary neoplastic syndrome; Neoplastic Syndromes, Hereditary; Hereditary Cancer Syndrome; Tumor predisposition. Identifiers: Orphanet 140162, MedGen C0027672, MeSH D009386, MONDO:0015356.
Chuvash polycythemia. Also called: POLYCYTHEMIA, VHL-DEPENDENT. Identifiers: Orphanet 238557, MedGen C1837915, MONDO:0009892, OMIM 263400.
Von Hippel-Lindau syndrome (VHLS). Also called: VHL syndrome; von Hippel–Lindau syndrome; Von Hippel-Lindau. Identifiers: Orphanet 892, MedGen C0019562, MONDO:0008667, OMIM 193300. Disease mechanism: loss of function.

gnomAD v4.1: 6 of 1,614,178 alleles (0.00037%); highest among the groups gnomAD compares: Non-Finnish European, 0.00051%; no homozygotes.

Submissions (4):

Ambry Genetics
Classification: Likely benign for Hereditary cancer-predisposing syndrome. Last evaluated: 2025-09-23. Review status: criteria provided, single submitter. Criteria: Ambry Variant Classification Scheme 2023. Collection method: clinical testing. Allele origin: germline.

Labcorp Genetics (formerly Invitae), Labcorp
Classification: Uncertain significance for Von Hippel-Lindau syndrome; Chuvash polycythemia. Last evaluated: 2024-04-24. Review status: criteria provided, single submitter. Criteria: Invitae Variant Classification Sherloc (09022015). Collection method: clinical testing. Allele origin: germline.
Comment: This sequence change replaces lysine, which is basic and polar, with asparagine, which is neutral and polar, at codon 171 of the VHL protein (p.Lys171Asn). This variant is not present in population databases (gnomAD no frequency). This variant has not been reported in the literature in individuals affected with VHL-related conditions. ClinVar contains an entry for this variant (Variation ID: 1392637). Advanced modeling of protein sequence and biophysical properties (such as structural, functional, and spatial information, amino acid conservation, physicochemical variation, residue mobility, and thermodynamic stability) has been performed at Invitae for this missense variant, however the output from this modeling did not meet the statistical confidence thresholds required to predict the impact of this variant on VHL protein function. In summary, the available evidence is currently insufficient to determine the role of this variant in disease. Therefore, it has been classified as a Variant of Uncertain Significance.

All of Us Research Program, National Institutes of Health
Classification: Uncertain significance for Von Hippel-Lindau syndrome. Last evaluated: 2024-03-05. Review status: criteria provided, single submitter. Criteria: ACMG Guidelines, 2015. Collection method: clinical testing. Allele origin: germline. Inheritance: Autosomal dominant inheritance. Observed: 1 variant allele, 1 heterozygote.
Comment: This study involves interpretation of variants in research participants for the purpose of population health screening. Participant phenotype was not available at the time of variant classification. Additional details can be found in publication PMID: 35346344, PMCID: PMC8962531

Baylor Genetics
Classification: Uncertain significance for Chuvash polycythemia. Last evaluated: 2023-11-30. Review status: criteria provided, single submitter. Criteria: ACMG Guidelines, 2015. Collection method: clinical testing. Allele origin: unknown.

Literature cited by the submitters: PubMed 38969834 (cited by Ambry Genetics).